The following is an entry in ClinVar:

ClinVar aggregate classification (germline): Uncertain significance (1 of 4 stars; one submission).

Conditions:
POLD1-related polyposis and colorectal cancer syndrome (CRCS10). Also called: Colorectal cancer 10; COLORECTAL CANCER, SUSCEPTIBILITY TO, ON CHROMOSOME 19q; Colorectal cancer, susceptibility to, 10. Identifiers: Orphanet 220460, MedGen C2675481, MONDO:0012953, OMIM 612591.

Submission:

Labcorp Genetics (formerly Invitae), Labcorp
Classification: Uncertain significance for POLD1-related polyposis and colorectal cancer syndrome. Last evaluated: 2024-05-22. Review status: criteria provided, single submitter. Criteria: Invitae Variant Classification Sherloc (09022015). Collection method: clinical testing. Allele origin: germline.
Comment: This sequence change replaces tyrosine, which is neutral and polar, with phenylalanine, which is neutral and non-polar, at codon 957 of the POLD1 protein (p.Tyr957Phe). This variant is not present in population databases (gnomAD no frequency). This variant has not been reported in the literature in individuals affected with POLD1-related conditions. Advanced modeling of protein sequence and biophysical properties (such as structural, functional, and spatial information, amino acid conservation, physicochemical variation, residue mobility, and thermodynamic stability) performed at Invitae indicates that this missense variant is expected to disrupt POLD1 protein function with a positive predictive value of 80%. In summary, the available evidence is currently insufficient to determine the role of this variant in disease. Therefore, it has been classified as a Variant of Uncertain Significance.

NM_002691.4(POLD1):c.2870A>T (p.Tyr957Phe)

Gene: POLD1 (DNA polymerase delta 1, catalytic subunit; plus strand). Cytogenetic location: 19q13.33.
Variant type: single nucleotide variant.
Coding change: c.2870A>T on transcript NM_002691.4 (MANE Select); coding-DNA position 2870, A replaced by T.
Protein change: p.Tyr957Phe; replaces tyrosine 957 with phenylalanine.
Molecular consequence: missense variant. On other transcripts: non-coding transcript variant (1).
Genome position (GRCh38, 1-based): chr19:50,416,445, A>T. VCF-style: chr19-50416445-A-T. GRCh37 (hg19) VCF-style: chr19-50919702-A-T.
Other names: c.2870A>T, p.Tyr957Phe (NM_001256849.1); c.2948A>T, p.Tyr983Phe (NM_001308632.1); short protein forms Y983F, Y957F.
Identifiers: ClinVar variation 3652547 (VCV003652547.2).